The following is an entry in ClinVar:

ClinVar aggregate classification (germline): Likely pathogenic (1 of 4 stars; one submission).

Allele frequency attached by ClinVar (database versions not stated): gnomAD exomes below 0.00001.
gnomAD v4.1: 4 of 1,211,528 alleles (0.00033%); highest among the groups gnomAD compares: Non-Finnish European, 0.00045%; no homozygotes.

Submission:

GeneDx
Classification: Likely pathogenic. Last evaluated: 2025-12-17. Review status: criteria provided, single submitter. Criteria: GeneDx Variant Classification Process June 2021. Collection method: clinical testing. Allele origin: germline. Affected: yes.
Comment: Not observed at significant frequency in large population cohorts (gnomAD); In silico analysis supports that this missense variant has a deleterious effect on protein structure/function; Has not been previously published as pathogenic or benign to our knowledge

NM_005120.3(MED12):c.3851G>A (p.Arg1284His)

Gene: MED12 (mediator complex subunit 12; plus strand). Cytogenetic location: Xq13.1.
Variant type: single nucleotide variant.
Coding change: c.3851G>A on transcript NM_005120.3 (MANE Select); coding-DNA position 3851, G replaced by A.
Protein change: p.Arg1284His; replaces arginine 1284 with histidine.
Molecular consequence: missense variant.
Genome position (GRCh38, 1-based): chrX:71,129,839, G>A. VCF-style: chrX-71129839-G-A. GRCh37 (hg19) VCF-style: chrX-70349689-G-A.
Other names: short protein forms R1284H.
Identifiers: ClinVar variation 1313830 (VCV001313830.3), dbSNP rs979229015, ClinGen allele CA330980644.